The following is an entry in ClinVar:

NM_001018115.3(FANCD2):c.1278+3_1278+6del

Genes: FANCD2 (FA complementation group D2; plus strand), LOC107303338 (3p25 FANCD2 Alu-mediated recombination region; plus strand). Cytogenetic location: 3p25.3.
Variant type: Deletion.
Coding change: c.1278+3_1278+6del on transcript NM_001018115.3 (MANE Select); bases 3 to 6 of the intron after coding-DNA position 1278, 4 bases deleted (AAGT; older notation c.1278+3_1278+6delAAGT).
Molecular consequence: splice donor variant.
Genome position (GRCh38, 1-based): chr3:10,046,726-10,046,729, AAGT deleted; deleting any 4 consecutive bases within chr3:10,046,723-10,046,729 gives the same sequence; the c. name uses the placement nearest the transcript's 3' end. VCF-style (leftmost placement, unchanged base first): chr3-10046722-TAGTA-T. GRCh37 (hg19) VCF-style: chr3-10088406-TAGTA-T.
Other names: NC_000003.11:g.10088410_10088413del; c.1278_1278+3delAGTA (NM_033084.3); c.1278+3_1278+6del (NM_001319984.2, NM_001374253.1, NM_033084.6 and 1 more transcripts); c.1278+3_1278+6delAAGT (NM_033084.4).
Identifiers: ClinVar variation 218823 (VCV000218823.4), dbSNP rs369823368, ClinGen allele CA249399.

ClinVar aggregate classification (germline): Conflicting classifications of pathogenicity. Review status: criteria provided, conflicting classifications (1 of 4 stars). 3 submissions from 3 submitters: Uncertain significance (2); Benign (1). Last evaluated 2024-05-09.

Conditions:
Fanconi anemia complementation group D2. Also called: FANCONI PANCYTOPENIA, TYPE 4; FANCONI ANEMIA, COMPLEMENTATION GROUP D; FANCD2-Related Fanconi Anemia. Identifiers: Orphanet 84, MedGen C3160738, MONDO:0009214, OMIM 227646.

Submissions (9):

Fulgent Genetics
Classification: Uncertain significance for Fanconi anemia complementation group D2. Last evaluated: 2024-05-09. Review status: criteria provided, single submitter. Criteria: ACMG Guidelines, 2015. Collection method: clinical testing. Allele origin: germline.

Women's Health and Genetics/Laboratory Corporation of America, LabCorp
Classification: Benign. Last evaluated: 2023-02-08. Review status: criteria provided, single submitter. Criteria: LabCorp Variant Classification Summary - May 2015. Collection method: clinical testing. Allele origin: germline.
Comment: Variant summary: FANCD2 c.1278+3_1278+6delAAGT alters a conserved nucleotide located close to a canonical splice site and therefore could affect mRNA splicing, leading to a significantly altered protein sequence. The variant was reported in the dbGaP databse in 45.1% of the data (5353/11862), which includes European, African, African American, Asian, East Asian, South Asian, and Latin American cohorts. Frequency ranges from 39% (South Asian) to 47.2% (African). One clinical diagnostic laboratory has submitted clinical-significance assessments for this variant to ClinVar after 2014 without evidence for independent evaluation. One laboratory classified the variant as uncertain significance. Based on the evidence outlined above, the variant was classified as benign.

Genomic Diagnostic Laboratory, Division of Genomic Diagnostics, Children's Hospital of Philadelphia
Classification: Uncertain significance. Last evaluated: 2015-06-19. Review status: criteria provided, single submitter. Criteria: DGD Variant Analysis Guidelines. Collection method: clinical testing. Allele origin: unknown.

Dr. Peter K. Rogan Lab, Western University
No classification provided (evidence only). Condition: Papillary renal cell carcinoma type 1. Review status: no classification provided. Collection method: in vitro. Allele origin: not applicable. Functional consequence: retained intron. Not counted in ClinVar's aggregate classification.

Dr. Peter K. Rogan Lab, Western University
No classification provided (evidence only). Condition: Lung cancer. Review status: no classification provided. Collection method: in vitro. Allele origin: not applicable. Functional consequence: retained intron. Not counted in ClinVar's aggregate classification.

Dr. Peter K. Rogan Lab, Western University
No classification provided (evidence only). Condition: Lung cancer. Review status: no classification provided. Collection method: in vitro. Allele origin: not applicable. Functional consequence: retained intron. Not counted in ClinVar's aggregate classification.

Dr. Peter K. Rogan Lab, Western University
No classification provided (evidence only). Condition: Lung cancer. Review status: no classification provided. Collection method: in vitro. Allele origin: not applicable. Functional consequence: retained intron. Not counted in ClinVar's aggregate classification.

Dr. Peter K. Rogan Lab, Western University
No classification provided (evidence only). Condition: Lung cancer. Review status: no classification provided. Collection method: in vitro. Allele origin: not applicable. Functional consequence: retained intron. Not counted in ClinVar's aggregate classification.

Dr. Peter K. Rogan Lab, Western University
No classification provided (evidence only). Condition: Lung cancer. Review status: no classification provided. Collection method: in vitro. Allele origin: not applicable. Functional consequence: retained intron. Not counted in ClinVar's aggregate classification.